The following is an entry in ClinVar:

ClinVar aggregate classification (germline): Uncertain significance. Review status: criteria provided, multiple submitters, no conflicts (2 of 4 stars). 3 submissions from 3 submitters: Uncertain significance (3). Last evaluated 2025-06-13.

Allele frequency attached by ClinVar (database versions not stated): gnomAD 0.00001; gnomAD exomes 0.00001 and 0.00002; ExAC 0.00002; TOPMed 0.00003.
gnomAD v4.1: 19 of 1,613,702 alleles (0.0012%); highest among the groups gnomAD compares: Non-Finnish European, 0.0016%; no homozygotes.

Submissions (3):

GeneDx
Classification: Uncertain significance. Last evaluated: 2025-06-13. Review status: criteria provided, single submitter. Criteria: GeneDx Variant Classification Process June 2021. Collection method: clinical testing. Allele origin: germline.
Comment: Not observed at significant frequency in large population cohorts (gnomAD); Has not been previously published as pathogenic or benign to our knowledge; In silico analysis is inconclusive as to whether the variant alters gene splicing. In the absence of RNA/functional studies, the actual effect of this sequence change is unknown.

CeGaT Center for Human Genetics Tuebingen
Classification: Uncertain significance. Last evaluated: 2024-02-01. Review status: criteria provided, single submitter. Criteria: CeGaT Center For Human Genetics Tuebingen Variant Classification Criteria Version 2. Collection method: clinical testing. Allele origin: germline. Affected: yes. Observed: 1 variant allele.
Comment: MME: PM2, BP4

Labcorp Genetics (formerly Invitae), Labcorp
Classification: Uncertain significance. Last evaluated: 2022-05-05. Review status: criteria provided, single submitter. Criteria: Invitae Variant Classification Sherloc (09022015). Collection method: clinical testing. Allele origin: germline.
Comment: This sequence change falls in intron 19 of the MME gene. It does not directly change the encoded amino acid sequence of the MME protein. It affects a nucleotide within the consensus splice site. This variant is present in population databases (rs763757710, gnomAD 0.004%). This variant has not been reported in the literature in individuals affected with MME-related conditions. Variants that disrupt the consensus splice site are a relatively common cause of aberrant splicing (PMID: 17576681, 9536098). Algorithms developed to predict the effect of sequence changes on RNA splicing suggest that this variant may disrupt the consensus splice site. In summary, the available evidence is currently insufficient to determine the role of this variant in disease. Therefore, it has been classified as a Variant of Uncertain Significance.

Literature cited by the submitters: PubMed 17576681 (cited by Labcorp Genetics (formerly Invitae), Labcorp); PubMed 9536098 (cited by Labcorp Genetics (formerly Invitae), Labcorp).

NM_007289.4(MME):c.1914+6T>A

Gene: MME (membrane metalloendopeptidase; plus strand). Cytogenetic location: 3q25.2.
Variant type: single nucleotide variant.
Coding change: c.1914+6T>A on transcript NM_007289.4 (MANE Select); 6 bases into the intron after coding-DNA position 1914, T replaced by A.
Molecular consequence: intron variant.
Genome position (GRCh38, 1-based): chr3:155,168,631, T>A. VCF-style: chr3-155168631-T-A. GRCh37 (hg19) VCF-style: chr3-154886420-T-A.
Other names: c.1914+6T>A (NM_001354642.2, NM_000902.5, NM_007287.4 and 2 more transcripts).
Identifiers: ClinVar variation 1394522 (VCV001394522.26), dbSNP rs763757710, ClinGen allele CA2675660.
Genomic context (GRCh38, chr3:155,168,631, plus strand): 5'-GTGCATGGTGTATCAGTATGGAAACTTTTCCTGGGACCTGGCAGGTGGACAGCACGTATG[T>A]CATTAGCATTCTCTTGAAAAGTTTTAGACATGTTCAATCTTAAGTGTATTATTGGTGGTT-3'